The following is an entry in ClinVar:

ClinVar aggregate classification (germline): Pathogenic (1 of 4 stars; one submission).

Conditions:
46,XX sex reversal 4 (SRXX4). Also called: 46, XX sex reversal 4; 46,XX SEX REVERSAL, SRY-NEGATIVE. Identifiers: MedGen C4479552, MONDO:0060489, OMIM 617480.

Submission:

Baylor Genetics
Classification: Pathogenic for 46,XX sex reversal 4. Last evaluated: 2018-11-14. Review status: criteria provided, single submitter. Criteria: ACMG Guidelines, 2015. Collection method: clinical testing. Allele origin: maternal. Affected: yes.
Comment: This variant was determined to be pathogenic according to ACMG Guidelines, 2015 [PMID:25741868].

NM_004959.5(NR5A1):c.637_640dup (p.Pro214fs)

Gene: NR5A1 (nuclear receptor subfamily 5 group A member 1; minus strand). Cytogenetic location: 9q33.3.
Variant type: Duplication.
Coding change: c.637_640dup on transcript NM_004959.5 (MANE Select); coding-DNA positions 637 to 640, 4 bases duplicated (TACC; older notation c.637_640dupTACC).
Protein change: p.Pro214fs; shifts the reading frame from proline 214.
Molecular consequence: frameshift variant.
Genome position (GRCh38, 1-based): chr9:124,500,320-124,500,323, GGTA duplicated on the plus strand (TACC on the coding strand, the reverse complement: NR5A1 is on the minus strand); duplicating any 4 consecutive bases within chr9:124,500,320-124,500,324 gives the same sequence; the c. name uses the placement nearest the transcript's 3' end. VCF-style (leftmost placement, unchanged base first): chr9-124500319-G-GGGTA. GRCh37 (hg19) VCF-style: chr9-127262598-G-GGGTA.
Other names: short protein forms P214fs.
Identifiers: ClinVar variation 1031482 (VCV001031482.1), dbSNP rs1832447335, ClinGen allele CA1878468636.
Genomic context (GRCh38, chr9:124,500,319, plus strand): 5'-TCCAGCTGCAGCAGCTGCAGGATGAGCTCAGGCACGTTGGGCCCTCCAGAGAAGGGCTCT[G>GGGTA]GGTAGCCGTACGGCAGCCCAGGCTGTGGGGGGCTGGCATAAGGCTCCGGGTACTCAGACT-3'